The following is an entry in ClinVar:

NM_001267550.2(TTN):c.27667T>C (p.Ser9223Pro)

Gene: TTN (titin; minus strand). Cytogenetic location: 2q31.2.
Variant type: single nucleotide variant.
Coding change: c.27667T>C on transcript NM_001267550.2 (MANE Select); coding-DNA position 27667, T replaced by C.
Protein change: p.Ser9223Pro; replaces serine 9223 with proline.
Molecular consequence: missense variant. On other transcripts: intron variant (3).
Genome position (GRCh38, 1-based): chr2:178,712,163, A>G on the plus strand (T>C on the coding strand, the complement: TTN is on the minus strand). VCF-style: chr2-178712163-A-G. GRCh37 (hg19) VCF-style: chr2-179576890-A-G.
Other names: p.Ser8906Pro; c.27667T>C (NM_001267550.1); c.26716T>C, p.Ser8906Pro (NM_001256850.1); c.23935T>C, p.Ser7979Pro (NM_133378.4); c.13282+25919T>C (NM_003319.4); c.13858+25919T>C (NM_133437.4); c.13657+25919T>C (NM_133432.3); short protein forms S9223P, S7979P, S8906P.
Identifiers: ClinVar variation 466964 (VCV000466964.6), dbSNP rs201253546, ClinGen allele CA1999746.

ClinVar aggregate classification (germline): Conflicting classifications of pathogenicity. Review status: criteria provided, conflicting classifications (1 of 4 stars). 3 submissions from 3 submitters: Uncertain significance (2); Likely benign (1). Last evaluated 2024-01-26.

Conditions:
Autosomal recessive limb-girdle muscular dystrophy type 2J (LGMDR10). Also called: Limb-girdle muscular dystrophy, type 2J; MUSCULAR DYSTROPHY, LIMB-GIRDLE, AUTOSOMAL RECESSIVE 10. Identifiers: Orphanet 140922, MedGen C1837342, MONDO:0012127, OMIM 608807.
Dilated cardiomyopathy 1G (CMD1G). Identifiers: Orphanet 154, MedGen C1858763, MONDO:0011400, OMIM 604145.

Allele frequency attached by ClinVar (database versions not stated): gnomAD 0.00001 and 0.00002; gnomAD exomes 0.00004 and 0.00010; TOPMed 0.00005; ExAC 0.00018.
gnomAD v4.1: 69 of 1,613,732 alleles (0.0043%); highest among the groups gnomAD compares: Non-Finnish European, 0.0056%; no homozygotes.

Submissions (3):

Mayo Clinic Laboratories, Mayo Clinic
Classification: Uncertain significance. Last evaluated: 2024-01-26. Review status: criteria provided, single submitter. Criteria: ACMG Guidelines, 2015. Collection method: clinical testing. Allele origin: germline. Observed: 1 variant allele.

GeneDx
Classification: Likely benign. Last evaluated: 2018-12-06. Review status: criteria provided, single submitter. Criteria: GeneDx Variant Classification Process June 2021. Collection method: clinical testing. Allele origin: germline. Affected: yes.
Comment: See Variant Classification Assertion Criteria.

Labcorp Genetics (formerly Invitae), Labcorp
Classification: Uncertain significance for Dilated cardiomyopathy 1G; Autosomal recessive limb-girdle muscular dystrophy type 2J. Last evaluated: 2017-08-01. Review status: criteria provided, single submitter. Criteria: Invitae Variant Classification Sherloc (09022015). Collection method: clinical testing. Allele origin: germline.